The following is an entry in ClinVar:

NM_182914.3(SYNE2):c.3176A>G (p.Asn1059Ser)

Gene: SYNE2 (spectrin repeat containing nuclear envelope protein 2; plus strand). Cytogenetic location: 14q23.2.
Variant type: single nucleotide variant.
Coding change: c.3176A>G on transcript NM_182914.3 (MANE Select); coding-DNA position 3176, A replaced by G.
Protein change: p.Asn1059Ser; replaces asparagine 1059 with serine.
Molecular consequence: missense variant.
Genome position (GRCh38, 1-based): chr14:63,997,324, A>G. VCF-style: chr14-63997324-A-G. GRCh37 (hg19) VCF-style: chr14-64464042-A-G.
Other names: c.3176A>G, p.Asn1059Ser (NM_015180.6); short protein forms N1059S.
Identifiers: ClinVar variation 2710168 (VCV002710168.3), dbSNP rs2550949723, ClinGen allele CA389988716.

ClinVar aggregate classification (germline): Uncertain significance (1 of 4 stars; one submission).

Conditions:
Emery-Dreifuss muscular dystrophy 5, autosomal dominant (EDMD5). Also called: EMERY-DREIFUSS MUSCULAR DYSTROPHY 5. Identifiers: Orphanet 261, MedGen C2751805, MONDO:0013072, OMIM 612999.

Submission:

Labcorp Genetics (formerly Invitae), Labcorp
Classification: Uncertain significance for Emery-Dreifuss muscular dystrophy 5, autosomal dominant. Last evaluated: 2024-01-18. Review status: criteria provided, single submitter. Criteria: Invitae Variant Classification Sherloc (09022015). Collection method: clinical testing. Allele origin: germline.
Comment: This sequence change replaces asparagine, which is neutral and polar, with serine, which is neutral and polar, at codon 1059 of the SYNE2 protein (p.Asn1059Ser). This variant is not present in population databases (gnomAD no frequency). This variant has not been reported in the literature in individuals affected with SYNE2-related conditions. Algorithms developed to predict the effect of missense changes on protein structure and function output the following: SIFT: "Not Available"; PolyPhen-2: "Possibly Damaging"; Align-GVGD: "Not Available". The serine amino acid residue is found in multiple mammalian species, which suggests that this missense change does not adversely affect protein function. In summary, the available evidence is currently insufficient to determine the role of this variant in disease. Therefore, it has been classified as a Variant of Uncertain Significance.